The following is an entry in ClinVar:

ClinVar aggregate classification (germline): Likely pathogenic. Review status: criteria provided, single submitter (1 of 4 stars). 2 submissions from 2 submitters: Likely pathogenic (1). 1 of the submissions does not count toward it. Last evaluated 2019-02-01.

Conditions:
Protein S deficiency disease. Also called: Protein S deficiency. Identifiers: MedGen C0242666, MeSH D018455, MONDO:0002304.
PROS1-related disorder. Also called: PROS1-related condition.

Submissions (2):

NIHR Bioresource Rare Diseases, University of Cambridge
Classification: Likely pathogenic for Reduced protein S activity. Last evaluated: 2019-02-01. Review status: criteria provided, single submitter. Criteria: ACMG Guidelines, 2015. Collection method: research. Allele origin: unknown. Affected: yes. Observed: 1 heterozygote. Study: ThromboGenomics.

PreventionGenetics, part of Exact Sciences
Classification: Likely pathogenic for PROS1-related condition. Last evaluated: 2024-08-20. Review status: no assertion criteria provided. Collection method: clinical testing. Allele origin: germline. Not counted in ClinVar's aggregate classification.
Comment: The PROS1 c.1126G>A variant is predicted to result in the amino acid substitution p.Asp376Asn. This variant, sometimes described as p.Asp335Asn using legacy nomenclature, has been reported in the heterozygous state in individuals with protein S deficiency (Gandrille et al. 1995. PubMed ID: 7803790; Supplemental Table 3, Downes et al. 2019. PubMed ID: 31064749). This variant has not been reported in a large population database, indicating this variant is rare. This variant is interpreted as likely pathogenic.

Literature cited by the submitters: PubMed 31064749 (cited by NIHR Bioresource Rare Diseases, University of Cambridge).

NM_000313.4(PROS1):c.1126G>A (p.Asp376Asn)

Gene: PROS1 (protein S; minus strand). Cytogenetic location: 3q11.1.
Variant type: single nucleotide variant.
Coding change: c.1126G>A on transcript NM_000313.4 (MANE Select); coding-DNA position 1126, G replaced by A.
Protein change: p.Asp376Asn; replaces aspartic acid 376 with asparagine.
Molecular consequence: missense variant.
Genome position (GRCh38, 1-based): chr3:93,892,962, C>T on the plus strand (G>A on the coding strand, the complement: PROS1 is on the minus strand). VCF-style: chr3-93892962-C-T. GRCh37 (hg19) VCF-style: chr3-93611806-C-T.
Other names: c.1222G>A, p.Asp408Asn (NM_001314077.2); short protein forms D376N, D408N.
Identifiers: ClinVar variation 627208 (VCV000627208.3), dbSNP rs1437372036, ClinGen allele CA353671938.